The following is an entry in ClinVar:

ClinVar aggregate classification (germline): Benign. Review status: criteria provided, multiple submitters, no conflicts (2 of 4 stars). 6 submissions from 6 submitters: Benign (6). Last evaluated 2026-01-12.

Conditions:
Nephronophthisis. Also called: Juvenile Nephronophthisis. Identifiers: Orphanet 655, MedGen C0687120, MONDO:0019005, HP:0000090.
Kidney disorder. Also called: renal disorder; renal disease; Kidney disease; Kidney Diseases; Nephropathy. Identifiers: MedGen C0022658, MONDO:0005240, HP:0000112.
Infantile nephronophthisis (NPHP2). Also called: Nephronophthisis 2, infantile; Nephronophthisis 2. Identifiers: Orphanet 655, Orphanet 93591, MedGen C1865872, MONDO:0011190, OMIM 602088.

Allele frequency attached by ClinVar (database versions not stated): gnomAD 0.17693; TOPMed 0.18349; gnomAD exomes 0.26258; 1000 Genomes Project 30x 0.26999; 1000 Genomes Project 0.27875.
gnomAD v4.1: 26,989 of 153,298 alleles (18%); highest among the groups gnomAD compares: East Asian, 64%; 3,521 homozygotes.

Submissions (6):

Labcorp Genetics (formerly Invitae), Labcorp
Classification: Benign for Nephronophthisis. Last evaluated: 2026-01-12. Review status: criteria provided, single submitter. Criteria: Invitae Variant Classification Sherloc (09022015). Collection method: clinical testing. Allele origin: germline.

Genome Diagnostics Laboratory, The Hospital for Sick Children
Classification: Benign for Kidney disorder. Last evaluated: 2019-08-01. Review status: criteria provided, single submitter. Criteria: ACMG Guidelines, 2015. Collection method: clinical testing. Allele origin: germline.

Illumina Laboratory Services, Illumina
Classification: Benign for Infantile nephronophthisis. Last evaluated: 2018-03-06. Review status: criteria provided, single submitter. Criteria: ICSL Variant Classification Criteria 13 December 2019. Collection method: clinical testing. Allele origin: germline.
Comment: This variant was observed in the ICSL laboratory as part of a predisposition screen in an ostensibly healthy population. It had not been previously curated by ICSL or reported in the Human Gene Mutation Database (HGMD: prior to June 1st, 2018), and was therefore a candidate for classification through an automated scoring system. Utilizing variant allele frequency, disease prevalence and penetrance estimates, and inheritance mode, an automated score was calculated to assess if this variant is too frequent to cause the disease. Based on the score and internal cut-off values, a variant classified as benign is not then subjected to further curation. The score for this variant resulted in a classification of benign for this disease.

Eurofins Ntd Llc (ga)
Classification: Benign. Last evaluated: 2016-12-29. Review status: criteria provided, single submitter. Criteria: EGL Classification Definitions 2015. Collection method: clinical testing. Allele origin: germline. Observed: 1 variant allele.

Laboratory for Molecular Medicine, Mass General Brigham Personalized Medicine
Classification: Benign. Last evaluated: 2016-03-29. Review status: criteria provided, single submitter. Criteria: LMM Criteria. Collection method: clinical testing. Allele origin: germline.
Comment: Variant identified in a genome or exome case(s) and assessed due to predicted null impact of the variant or pathogenic assertions in the literature or databases. Disclaimer: This variant has not undergone full assessment. The following are preliminary notes: Frequency in 1000Genomes: 634/2178=29.1%

Breakthrough Genomics
Classification: Benign. Review status: criteria provided, single submitter. Criteria: ACMG Guidelines, 2015. Collection method: not provided. Allele origin: germline. Inheritance: Autosomal recessive inheritance. Affected: yes.

NM_014425.5(INVS):c.-110T>G

Genes: INVS (inversin; plus strand), LOC130002251 (ATAC-STARR-seq lymphoblastoid silent region 20132; plus strand). Cytogenetic location: 9q31.1.
Variant type: single nucleotide variant.
Coding change: c.-110T>G on transcript NM_014425.5 (MANE Select); 110 bases upstream of the start codon, T replaced by G.
Molecular consequence: 5 prime UTR variant. On other transcripts: non-coding transcript variant (1).
Genome position (GRCh38, 1-based): chr9:100,099,331, T>G. VCF-style: chr9-100099331-T-G. GRCh37 (hg19) VCF-style: chr9-102861613-T-G.
Other names: c.-486T>G (NM_001318381.2); c.-1099T>G (NM_001318382.2).
Identifiers: ClinVar variation 364220 (VCV000364220.22), dbSNP rs7024375, ClinGen allele CA10628563.